The following is an entry in ClinVar:

NM_181552.4(CUX1):c.1632C>G (p.Ser544Arg)

Gene: CUX1 (cut like homeobox 1; plus strand). Cytogenetic location: 7q22.1.
Variant type: single nucleotide variant.
Coding change: c.1632C>G on transcript NM_181552.4 (MANE Select); coding-DNA position 1632, C replaced by G.
Protein change: p.Ser544Arg; replaces serine 544 with arginine.
Molecular consequence: missense variant. On other transcripts: intron variant (5).
Genome position (GRCh38, 1-based): chr7:102,197,043, C>G. VCF-style: chr7-102197043-C-G. GRCh37 (hg19) VCF-style: chr7-101840323-C-G.
Other names: c.1665C>G, p.Ser555Arg (NM_001202543.2); c.1255+1440C>G (NM_001913.5); c.1249+1440C>G (NM_181500.4); c.1117+1440C>G (NM_001202545.3); c.1207+1440C>G (NM_001202544.3); c.1138+1440C>G (NM_001202546.3); short protein forms S544R, S555R.
Identifiers: ClinVar variation 2682211 (VCV002682211.1), dbSNP rs199819569, ClinGen allele CA368674107.

ClinVar aggregate classification (germline): Uncertain significance (1 of 4 stars; one submission).

Submission:

Women's Health and Genetics/Laboratory Corporation of America, LabCorp
Classification: Uncertain significance. Last evaluated: 2023-11-21. Review status: criteria provided, single submitter. Criteria: LabCorp Variant Classification Summary - May 2015. Collection method: clinical testing. Allele origin: germline.
Comment: Variant summary: CUX1 c.1665C>G (p.Ser555Arg) results in a non-conservative amino acid change located in the CUT domain (IPR003350) of the encoded protein sequence. Three of five in-silico tools predict a damaging effect of the variant on protein function. The variant was absent in 251474 control chromosomes. The available data on variant occurrences in the general population are insufficient to allow any conclusion about variant significance. To our knowledge, no occurrence of c.1665C>G in individuals affected with Global Developmental Delay With Or Without Impaired Intellectual Development and no experimental evidence demonstrating its impact on protein function have been reported. No submitters have cited clinical-significance assessments for this variant to ClinVar after 2014. Based on the evidence outlined above, the variant was classified as uncertain significance.